The following is an entry in ClinVar:

ClinVar aggregate classification (germline): Pathogenic (1 of 4 stars; one submission).

Conditions:
Spermatogenic failure 40. Identifiers: MedGen C5231451, MONDO:0032859, OMIM 618664.

gnomAD v4.1: 3 of 1,583,078 alleles (0.00019%); highest among the groups gnomAD compares: Non-Finnish European, 0.00026%; no homozygotes.

Submission:

Department of Medical Genetics, Yunnan Provincial Key Laboratory for Birth Defects and Genetic Diseases, The First People’s Hospital of Yunnan Province
Classification: Pathogenic for Spermatogenic failure 40. Last evaluated: 2026-06-28. Review status: criteria provided, single submitter. Criteria: ACMG Guidelines, 2015. Collection method: provider interpretation. Allele origin: germline. Inheritance: Autosomal recessive inheritance. Affected: yes. Observed: 1 variant allele, 1 homozygote.
Comment: The variant affects the invariant +1 donor site of intron 6 and was absent from ClinVar and population databases. An in vitro minigene assay demonstrated complete skipping of exon 6, resulting in a 103-bp transcript deletion and a predicted frameshifted truncated protein, p.(Pro182ArgfsTer29). This variant was classified as Pathogenic according to ACMG/AMP guidelines based on PVS1 + PM2_supporting + PM3_supporting.

Literature cited by the submitters: PubMed 30192042; PubMed 31571197.

NM_194302.4(CFAP65):c.645+1G>A

Gene: CFAP65 (cilia and flagella associated protein 65; minus strand). Cytogenetic location: 2q35.
Variant type: single nucleotide variant.
Coding change: c.645+1G>A on transcript NM_194302.4 (MANE Select); the canonical splice donor site of the intron after coding-DNA position 645, G replaced by A.
Molecular consequence: splice donor variant.
Genome position (GRCh38, 1-based): chr2:219,032,469, C>T on the plus strand (G>A on the coding strand, the complement: CFAP65 is on the minus strand). VCF-style: chr2-219032469-C-T. GRCh37 (hg19) VCF-style: chr2-219897191-C-T.
Other names: c.612+1G>A (NM_001278295.1); c.450+1G>A (NM_001278296.2).
Identifiers: ClinVar variation 4857359 (VCV004857359.1).